The following is an entry in ClinVar:

ClinVar aggregate classification (germline): Likely benign (1 of 4 stars; one submission).

Conditions:
DSCAM-related disorder. Also called: DSCAM-related condition.

gnomAD v4.1: 5 of 1,605,064 alleles (0.00031%); highest among the groups gnomAD compares: Admixed American, 0.0034%; no homozygotes.

Submission:

PreventionGenetics, part of Exact Sciences
Classification: Likely benign for DSCAM-related condition. Last evaluated: 2026-04-07. Review status: criteria provided, single submitter. Criteria: ACMG Guidelines, 2015. Collection method: clinical testing. Allele origin: germline.
Comment: This variant is classified as likely benign based on ACMG/AMP sequence variant interpretation guidelines (Richards et al. 2015 PMID: 25741868, with internal and published modifications).

NM_001389.5(DSCAM):c.4231+8G>A

Gene: DSCAM (DS cell adhesion molecule; minus strand). Cytogenetic location: 21q22.2.
Variant type: single nucleotide variant.
Coding change: c.4231+8G>A on transcript NM_001389.5 (MANE Select); 8 bases into the intron after coding-DNA position 4231, G replaced by A.
Molecular consequence: intron variant.
Genome position (GRCh38, 1-based): chr21:40,083,900, C>T on the plus strand (G>A on the coding strand, the complement: DSCAM is on the minus strand). VCF-style: chr21-40083900-C-T. GRCh37 (hg19) VCF-style: chr21-41455827-C-T.
Other names: c.4231+8G>A (NM_001271534.3).
Identifiers: ClinVar variation 4984754 (VCV004984754.1).
Genomic context (GRCh38, chr21:40,083,900, plus strand): 5'-ATGTGTCACTTATTGGCATGTGGATCACACAACTAATCAACTATTGTGGACAATCTATAT[C>T]TTATTACCTCTGATAGAGCTGCCCCCGTTGTCTCCAGGGAGCCAAGAAAGGGTGATGGAG-3'